The following is an entry in ClinVar:

NC_012920.1(MT-ATP8):m.8412T>C

Gene: MT-ATP8 (mitochondrially encoded ATP synthase 8; plus strand).
Variant type: single nucleotide variant.
Genome position: chrM-8412-T-C.
Identifiers: ClinVar variation 692849 (VCV000692849.1), dbSNP rs1556423451, ClinGen allele CA414795995.

ClinVar aggregate classification (germline): Uncertain significance (1 of 4 stars; one submission).

Conditions:
Leigh syndrome (NULS). Also called: Leigh's necrotizing encephalopathy; Leigh's disease; Leigh Syndrome (mtDNA deletion); Leigh Disease; Subacute necrotizing encephalopathy; Necrotizing encephalopathy infantile subacute of Leigh. Identifiers: Orphanet 506, MedGen C2931891, MONDO:0009723, OMIM 256000.

Submission:

Wong Mito Lab, Molecular and Human Genetics, Baylor College of Medicine
Classification: Uncertain significance for Leigh syndrome. Last evaluated: 2019-10-17. Review status: criteria provided, single submitter. Criteria: Modified ACMG Guidelines (Unpublished). Collection method: clinical testing. Allele origin: germline.
Comment: The NC_012920.1:m.8412T>C (YP_003024030.1:p.Met16Thr) variant in MTATP8 gene is interpretated to be a Uncertain Significance variant based on the modified ACMG guidelines (unpublished). This variant meets the following evidence codes: PM9, BS1